The following is an entry in ClinVar:

NM_005751.5(AKAP9):c.11180G>A (p.Gly3727Asp)

Gene: AKAP9 (A-kinase anchoring protein 9; plus strand). Cytogenetic location: 7q21.2.
Variant type: single nucleotide variant.
Coding change: c.11180G>A on transcript NM_005751.5 (MANE Select); coding-DNA position 11180, G replaced by A.
Protein change: p.Gly3727Asp; replaces glycine 3727 with aspartic acid.
Molecular consequence: missense variant.
Genome position (GRCh38, 1-based): chr7:92,102,676, G>A. VCF-style: chr7-92102676-G-A. GRCh37 (hg19) VCF-style: chr7-91731990-G-A.
Other names: c.5825G>A, p.Gly1942Asp (NM_001379277.1); c.11156G>A, p.Gly3719Asp (NM_147185.3); short protein forms G1942D, G3719D, G3727D.
Identifiers: ClinVar variation 3630484 (VCV003630484.2).

ClinVar aggregate classification (germline): Uncertain significance (1 of 4 stars; one submission).

Conditions:
Long QT syndrome (LQTS). Identifiers: MedGen C0023976, MeSH D008133, MONDO:0002442. Disease mechanism: loss of function. Inheritance: Various modes of inheritance.

Submission:

Labcorp Genetics (formerly Invitae), Labcorp
Classification: Uncertain significance for Long QT syndrome. Last evaluated: 2024-02-07. Review status: criteria provided, single submitter. Criteria: Invitae Variant Classification Sherloc (09022015). Collection method: clinical testing. Allele origin: germline.
Comment: This sequence change replaces glycine, which is neutral and non-polar, with aspartic acid, which is acidic and polar, at codon 3727 of the AKAP9 protein (p.Gly3727Asp). This variant is not present in population databases (gnomAD no frequency). This variant has not been reported in the literature in individuals affected with AKAP9-related conditions. An algorithm developed to predict the effect of missense changes on protein structure and function (PolyPhen-2) suggests that this variant is likely to be disruptive. In summary, the available evidence is currently insufficient to determine the role of this variant in disease. Therefore, it has been classified as a Variant of Uncertain Significance.